The following is an entry in ClinVar:

ClinVar aggregate classification (germline): Likely pathogenic (1 of 4 stars; one submission).

Conditions:
Basal ganglia calcification, idiopathic, 7, autosomal recessive. Also called: PRIMARY FAMILIAL BRAIN CALCIFICATION 7, AUTOSOMAL RECESSIVE. Identifiers: MedGen C5193025, MONDO:0032673, OMIM 618317.

Submission:

Diagnostics Services (NGS), CSIR - Centre For Cellular And Molecular Biology
Classification: Likely pathogenic for Basal ganglia calcification, idiopathic, 7, autosomal recessive. Last evaluated: 2025-11-19. Review status: criteria provided, single submitter. Criteria: ACMG Guidelines, 2015. Collection method: clinical testing. Allele origin: germline. Observed: 1 variant allele, 1 heterozygote.
Comment: Heterozygous variations in MYORG gene were reported in literature in association with a semidominant form of brain calcifications with incomplete penetrance [PMID: 31951047; 37680026]. The c.1270_1277del variant is not present in publicly available population databases like 1000 Genomes, EVS, gnomAD, Indian Exome Database and our internal database. This variant has neither been published in the literature for MYORG-related conditions nor reported to clinical databases like Human Genome Mutation database (HGMD), OMIM, or ClinVar in any affected individuals. In-silico pathogenicity prediction programs like MutationTaster2021, CADD, Franklin, Varsome etc predicted this variant to be likely deleterious. This variant causes frameshift at the 424th amino acid position of the wild-type transcript that creates a premature translational stop signal at the altered transcript that may either result in translation of a truncated protein or cause nonsense mediated decay of the mRNA.

Literature cited by the submitters: PubMed 31951047; PubMed 37680026.

NM_020702.5(MYORG):c.1270_1277del (p.Arg424fs)

Gene: MYORG (myogenesis regulating glycosidase; minus strand). Cytogenetic location: 9p13.3.
Variant type: Microsatellite.
Coding change: c.1270_1277del on transcript NM_020702.5 (MANE Select); coding-DNA positions 1270 to 1277, 8 bases deleted (CGCTGGTG; older notation c.1270_1277delCGCTGGTG).
Protein change: p.Arg424fs; shifts the reading frame from arginine 424.
Molecular consequence: frameshift variant.
Genome position (GRCh38, 1-based): chr9:34,371,667-34,371,674, CACCAGCG deleted on the plus strand (CGCTGGTG on the coding strand, the reverse complement: MYORG is on the minus strand); deleting any 8 consecutive bases within chr9:34,371,667-34,371,684 gives the same sequence; the c. name uses the placement nearest the transcript's 3' end. VCF-style (leftmost placement, unchanged base first): chr9-34371666-CCACCAGCG-C. GRCh37 (hg19) VCF-style: chr9-34371664-CCACCAGCG-C.
Other names: short protein forms R424fs.
Identifiers: ClinVar variation 4533286 (VCV004533286.1).